The following is an entry in ClinVar:

ClinVar aggregate classification (germline): Likely pathogenic (1 of 4 stars; one submission).

Conditions:
Cockayne syndrome. Identifiers: Orphanet 191, MedGen C0009207, MONDO:0016006.

Submission:

Women's Health and Genetics/Laboratory Corporation of America, LabCorp
Classification: Likely pathogenic for Cockayne syndrome. Last evaluated: 2023-04-24. Review status: criteria provided, single submitter. Criteria: LabCorp Variant Classification Summary - May 2015. Collection method: clinical testing. Allele origin: germline.
Comment: Variant summary: The variant identified by MLPA or other technology involves the deletion of exons 11-12 in the ERCC8 gene, which includes the last exon. The exact breakpoint at the 3' end of this variant is unknown, and therefore this deletion might extend downstream of the assayed region of the gene. A presumed nomenclature of c.(1041+1_1042-1)_(*784_?)del has been designated for the purposes of this classification. Although exact breakpoints of this deletion are not known, it is expected to undergo nonsense mediated decay, a known mechanism of disease. The variant was absent in 21694 control chromosomes (gnomAD, structural variants dataset). To our knowledge, no occurrence of c.(1041+1_1042-1)_(*784_?)del in individuals affected with Cockayne Syndrome and no experimental evidence demonstrating its impact on protein function have been reported. However, a large deletion variant overlapping with our variant of interest (i.e. c.1043_1122+1del81) was reported in an affected individual (HGMD), which might indicate a functional importance for the deleted protein region. No clinical diagnostic laboratories have submitted clinical-significance assessments for this variant to ClinVar after 2014. Based on the evidence outlined above, the variant was classified as likely pathogenic.

NC_000005.9:g.(?_60169658)_(60183348_60186715)del

Gene: ERCC8 (ERCC excision repair 8, CSA ubiquitin ligase complex subunit; minus strand). Cytogenetic location: 5q12.1.
Variant type: Deletion.
Identifiers: ClinVar variation 2503843 (VCV002503843.1).